The following is an entry in ClinVar:

ClinVar aggregate classification (germline): Uncertain significance. Review status: criteria provided, multiple submitters, no conflicts (2 of 4 stars). 2 submissions from 2 submitters: Uncertain significance (2). Last evaluated 2024-09-03.

Conditions:
Inborn genetic diseases. Identifiers: MedGen C0950123, MeSH D030342.

Allele frequency attached by ClinVar (database versions not stated): gnomAD 0.00001; gnomAD exomes 0.00001; ExAC 0.00002; TOPMed 0.00002.
gnomAD v4.1: 19 of 1,613,958 alleles (0.0012%); highest among the groups gnomAD compares: East Asian, 0.018%; no homozygotes.

Submissions (2):

Labcorp Genetics (formerly Invitae), Labcorp
Classification: Uncertain significance. Last evaluated: 2024-09-03. Review status: criteria provided, single submitter. Criteria: Invitae Variant Classification Sherloc (09022015). Collection method: clinical testing. Allele origin: germline.
Comment: This sequence change replaces arginine, which is basic and polar, with glutamine, which is neutral and polar, at codon 2041 of the FN1 protein (p.Arg2041Gln). This variant is present in population databases (rs746145647, gnomAD 0.02%). This variant has not been reported in the literature in individuals affected with FN1-related conditions. ClinVar contains an entry for this variant (Variation ID: 2179433). An algorithm developed to predict the effect of missense changes on protein structure and function (PolyPhen-2) suggests that this variant is likely to be disruptive. In summary, the available evidence is currently insufficient to determine the role of this variant in disease. Therefore, it has been classified as a Variant of Uncertain Significance.

Ambry Genetics
Classification: Uncertain significance for Inborn genetic diseases. Last evaluated: 2024-01-30. Review status: criteria provided, single submitter. Criteria: Ambry Variant Classification Scheme 2023. Collection method: clinical testing. Allele origin: germline.

NM_212482.4(FN1):c.6122G>A (p.Arg2041Gln)

Gene: FN1 (fibronectin 1; minus strand). Cytogenetic location: 2q35.
Variant type: single nucleotide variant.
Coding change: c.6122G>A on transcript NM_212482.4 (MANE Select); coding-DNA position 6122, G replaced by A.
Protein change: p.Arg2041Gln; replaces arginine 2041 with glutamine.
Molecular consequence: missense variant.
Genome position (GRCh38, 1-based): chr2:215,375,249, C>T on the plus strand (G>A on the coding strand, the complement: FN1 is on the minus strand). VCF-style: chr2-215375249-C-T. GRCh37 (hg19) VCF-style: chr2-216239972-C-T.
Other names: c.6122G>A, p.Arg2041Gln (NM_001306129.2); c.5852G>A, p.Arg1951Gln (NM_001306130.2, NM_001365517.2, NM_001365519.2 and 2 more transcripts); c.5579G>A, p.Arg1860Gln (NM_001306131.2, NM_001306132.2, NM_001365523.2 and 2 more transcripts); c.6122G>A (NM_212482.1); c.5849G>A, p.Arg1950Gln (NM_001365518.2, NM_001365520.2, NM_001365524.2 and 2 more transcripts); short protein forms R1860Q, R2041Q, R1950Q, R1951Q.
Identifiers: ClinVar variation 2179433 (VCV002179433.5), dbSNP rs746145647, ClinGen allele CA2093944.
Genomic context (GRCh38, chr2:215,375,249, plus strand): 5'-AATGACAGCATGGAAGCAGCAATACCAGTAATAGTAGCCTCTGTGACACCAGGGCGGGGC[C>T]GAGGGACCACTTCTCTGGGAGGAGACCCAGGCTTCTCATACTTGATGATGTAGCCGGTAA-3'
Protein context (NP_997647.2, residues 2031-2051): PGSPPREVVP[Arg2041Gln]PRPGVTEATI